The following is an entry in ClinVar:

ClinVar aggregate classification (germline): Uncertain significance (1 of 4 stars; one submission).

Submission:

CeGaT Center for Human Genetics Tuebingen
Classification: Uncertain significance. Last evaluated: 2024-04-01. Review status: criteria provided, single submitter. Criteria: CeGaT Center For Human Genetics Tuebingen Variant Classification Criteria Version 2. Collection method: clinical testing. Allele origin: germline. Affected: yes. Observed: 1 variant allele.
Comment: ASCC3: PM2, BP4

NM_006828.4(ASCC3):c.6590C>T (p.Thr2197Ile)

Gene: ASCC3 (activating signal cointegrator 1 complex subunit 3; minus strand). Cytogenetic location: 6q16.3.
Variant type: single nucleotide variant.
Coding change: c.6590C>T on transcript NM_006828.4 (MANE Select); coding-DNA position 6590, C replaced by T.
Protein change: p.Thr2197Ile; replaces threonine 2197 with isoleucine.
Molecular consequence: missense variant.
Genome position (GRCh38, 1-based): chr6:100,509,405, G>A on the plus strand (C>T on the coding strand, the complement: ASCC3 is on the minus strand). VCF-style: chr6-100509405-G-A. GRCh37 (hg19) VCF-style: chr6-100957281-G-A.
Other names: short protein forms T2197I.
Identifiers: ClinVar variation 3234656 (VCV003234656.20), dbSNP rs558958857, ClinGen allele CA143976070.